The following is an entry in ClinVar:

NM_000179.3(MSH6):c.3566C>T (p.Thr1189Ile)

Gene: MSH6 (mutS homolog 6; plus strand). Cytogenetic location: 2p16.3.
Variant type: single nucleotide variant.
Coding change: c.3566C>T on transcript NM_000179.3 (MANE Select); coding-DNA position 3566, C replaced by T.
Protein change: p.Thr1189Ile; replaces threonine 1189 with isoleucine.
Molecular consequence: missense variant.
Genome position (GRCh38, 1-based): chr2:47,805,627, C>T. VCF-style: chr2-47805627-C-T. GRCh37 (hg19) VCF-style: chr2-48032766-C-T.
Other names: c.3176C>T, p.Thr1059Ile (NM_001281492.2); c.2660C>T, p.Thr887Ile (NM_001281493.2, NM_001281494.2, NM_001406811.1 and 6 more transcripts); c.3662C>T, p.Thr1221Ile (NM_001406795.1, NM_001406802.1); c.3566C>T, p.Thr1189Ile (NM_001406796.1, NM_001406800.1, NM_001406808.1 and 1 more transcripts); c.3269C>T, p.Thr1090Ile (NM_001406797.1, NM_001406801.1, NM_001406805.1 and 10 more transcripts); c.3392C>T, p.Thr1131Ile (NM_001406798.1); c.3041C>T, p.Thr1014Ile (NM_001406799.1, NM_001406806.1, NM_001406807.1); c.2702C>T, p.Thr901Ile (NM_001406803.1); and 7 more; short protein forms T1090I, T1133I, T116I, T901I, T1059I, T1189I, T504I, T667I.
Identifiers: ClinVar variation 1732743 (VCV001732743.2), dbSNP rs2104522301, ClinGen allele CA346760453.

ClinVar aggregate classification (germline): Uncertain significance (1 of 4 stars; one submission).

Conditions:
Hereditary cancer-predisposing syndrome. Also called: Neoplastic Syndromes, Hereditary; Tumor predisposition; Hereditary Cancer Syndrome; Hereditary neoplastic syndrome. Identifiers: Orphanet 140162, MedGen C0027672, MeSH D009386, MONDO:0015356.

Submission:

Ambry Genetics
Classification: Uncertain significance for Hereditary cancer-predisposing syndrome. Last evaluated: 2020-08-20. Review status: criteria provided, single submitter. Criteria: Ambry Variant Classification Scheme 2023. Collection method: clinical testing. Allele origin: germline.
Comment: The p.T1189I variant (also known as c.3566C>T), located in coding exon 7 of the MSH6 gene, results from a C to T substitution at nucleotide position 3566. The threonine at codon 1189 is replaced by isoleucine, an amino acid with similar properties. This amino acid position is highly conserved in available vertebrate species. In addition, this alteration is predicted to be deleterious by in silico analysis. Since supporting evidence is limited at this time, the clinical significance of this alteration remains unclear.